The following continues an entry in ClinVar:

NM_000152.5(GAA):c.1210G>A (p.Asp404Asn)

Gene: GAA. ClinVar aggregate classification (germline): Pathogenic. Pathogenic (1).

Submissions 9 to 11 of 11:

Fulgent Genetics
Classification: Pathogenic for Glycogen storage disease, type II. Last evaluated: 2021-11-07. Review status: criteria provided, single submitter. Criteria: ACMG Guidelines, 2015. Collection method: clinical testing. Allele origin: unknown. Not counted in ClinVar's aggregate classification.

Women's Health and Genetics/Laboratory Corporation of America, LabCorp
Classification: Pathogenic for Glycogen storage disease, type II. Last evaluated: 2020-08-10. Review status: criteria provided, single submitter. Criteria: LabCorp Variant Classification Summary - May 2015. Collection method: clinical testing. Allele origin: germline. Not counted in ClinVar's aggregate classification.
Comment: Variant summary: GAA c.1210G>A (p.Asp404Asn) results in a conservative amino acid change in the encoded protein sequence. Four of five in-silico tools predict a damaging effect of the variant on protein function. The variant allele was found at a frequency of 3.2e-05 in 248242 control chromosomes (gnomAD). c.1210G>A has been reported in the literature in multiple individuals affected with Glycogen Storage Disease, Type 2 (Pompe Disease) (e.g. Amartino_2006, Desai_2019, Kishnani_2019). These data indicate that the variant is very likely to be associated with disease. Experimental evidence evaluating an impact on protein function demonstrated the variant results in severe reduction of GAA enzyme activity (e.g. Amartino_2006, Flanagan_2009, Nilsson_2014). Two ClinVar submitters (evaluation after 2014) cite the variant as pathogenic. Based on the evidence outlined above, the variant was classified as pathogenic.

Broad Center for Mendelian Genomics, Broad Institute of MIT and Harvard
Classification: Pathogenic for Glycogen storage disease, type II. Last evaluated: 2020-01-22. Review status: criteria provided, single submitter. Criteria: ACMG Guidelines, 2015. Collection method: curation. Allele origin: germline. Inheritance: Autosomal recessive inheritance. Not counted in ClinVar's aggregate classification.
Comment: The p.Asp404Asn variant in GAA has been reported in 9 individuals with glycogen storage disease II, segregated with disease in 2 affected relatives from 1 family (PMID: 22538254, 29122469, 29205646, 25687635, 22658377, 23787031, 26497565, 16433701) and has been identified in 0.006% (1/15828) of African chromosomes, 0.005% (1/18308) of East Asian chromosomes, and 0.004% (5/111690) of European (non-Finnish) chromosomes by the Genome Aggregation Database (gnomAD; dbSNP rs141533320). Although this variant has been seen in the general population, its frequency is low enough to be consistent with a recessive carrier frequency. In vitro functional studies using transfected HEK293T cells provide some evidence that the p.Asp404Asn variant may slightly impact protein function (PMID: 24384324). However, these types of assays may not accurately represent biological function. Computational prediction tools and conservation analyses suggest that this variant may impact the protein, though this information is not predictive enough to determine pathogenicity. The phenotype of individuals heterozygous for this variant is highly specific for glycogen storage disease II based on GAA enzyme activity in leucocytes, fibroblasts, or lymphocytes being <2% of wild type, consistent with disease (PMID: 26497565, 16433701). Additionally, the presence of this variant in combination with reported pathogenic and likely pathogenic variants (VariationID: 4027, 284093, 370157; PMID: 26497565, 25687635, 29122469, 16433701, 23787031) and in individuals with glycogen storage disease II increases the likelihood that the p.Asp404Asn variant is pathogenic. In summary, this variant meets criteria to be classified as pathogenic for glycogen storage disease II in an autosomal recessive manner based on in vitro functional studies and multiple occurrences with pathogenic variants in affected individuals. ACMG/AMP Criteria applied: PS3, PM3_strong, PM2, PP3, PP4 (Richards 2015).

Literature cited by the submitters: PubMed 24384324 (cited by 6 submitters); PubMed 39802096 (cited by Genomenon, Inc); PubMed 39273088 (cited by Genomenon, Inc); PubMed 38250073 (cited by Genomenon, Inc); PubMed 37414610 (cited by Genomenon, Inc); PubMed 34834457 (cited by Genomenon, Inc); PubMed 31193175 (cited by Genomenon, Inc and Women's Health and Genetics/Laboratory Corporation of America, LabCorp); PubMed 31086307 (cited by 4 submitters); PubMed 29205646 (cited by Genomenon, Inc and Broad Center for Mendelian Genomics, Broad Institute of MIT and Harvard); PubMed 29356433 (cited by Genomenon, Inc); PubMed 25687635 (cited by Genomenon, Inc and Broad Center for Mendelian Genomics, Broad Institute of MIT and Harvard); PubMed 16433701 (cited by 6 submitters); PubMed 26497565 (cited by Genomenon, Inc and Broad Center for Mendelian Genomics, Broad Institute of MIT and Harvard); PubMed 22658377 (cited by 3 submitters); PubMed 19862843 (cited by 3 submitters); PubMed 23787031 (cited by Labcorp Genetics (formerly Invitae), Labcorp and Broad Center for Mendelian Genomics, Broad Institute of MIT and Harvard); PubMed 30155607 (cited by 3billion).